The following is an entry in ClinVar:

ClinVar aggregate classification (germline): Pathogenic (1 of 4 stars; one submission).

Conditions:
Hereditary breast ovarian cancer syndrome. Also called: BRCA1- and BRCA2-Associated Hereditary Breast and Ovarian Cancer; Hereditary breast and ovarian cancer; Hereditary breast and ovarian cancer syndrome (HBOC); Hereditary breast and/or ovarian cancer syndrome; Hereditary breast and ovarian cancer syndrome; Breast and ovarian cancer. Identifiers: Orphanet 145, MedGen C0677776, MeSH D061325, MONDO:0003582. Disease mechanism: loss of function.

Submission:

Labcorp Genetics (formerly Invitae), Labcorp
Classification: Pathogenic for Hereditary breast ovarian cancer syndrome. Last evaluated: 2024-04-04. Review status: criteria provided, single submitter. Criteria: Invitae Variant Classification Sherloc (09022015). Collection method: clinical testing. Allele origin: germline.
Comment: This sequence change creates a premature translational stop signal (p.Ile587Lysfs*5) in the BRCA1 gene. It is expected to result in an absent or disrupted protein product. Loss-of-function variants in BRCA1 are known to be pathogenic (PMID: 20104584). This variant is not present in population databases (gnomAD no frequency). This variant has not been reported in the literature in individuals affected with BRCA1-related conditions. ClinVar contains an entry for this variant (Variation ID: 1448864). For these reasons, this variant has been classified as Pathogenic.

Literature cited by the submitters: PubMed 20104584.

NM_007294.4(BRCA1):c.1760del (p.Ile587fs)

Gene: BRCA1 (BRCA1 DNA repair associated; minus strand). Cytogenetic location: 17q21.31.
Variant type: Deletion.
Coding change: c.1760del on transcript NM_007294.4 (MANE Select); coding-DNA position 1760, one base deleted (T; older notation c.1760delT).
Protein change: p.Ile587fs; shifts the reading frame from isoleucine 587.
Molecular consequence: frameshift variant. On other transcripts: intron variant (137).
Genome position (GRCh38, 1-based): chr17:43,093,771, A deleted on the plus strand (T on the coding strand, the reverse complement: BRCA1 is on the minus strand). VCF-style (leftmost placement, unchanged base first): chr17-43093770-TA-T. GRCh37 (hg19) VCF-style: chr17-41245787-TA-T.
Other names: c.1547del, p.Ile516fs (NM_001407571.1, NM_001407853.1, NM_001407894.1 and 9 more transcripts); c.1760del, p.Ile587fs (NM_001407581.1, NM_001407582.1, NM_001407583.1 and 30 more transcripts); c.1757del, p.Ile586fs (NM_001407587.1, NM_001407590.1, NM_001407591.1 and 22 more transcripts); c.1751del, p.Ile584fs (NM_001407646.1, NM_001407647.1); c.1637del, p.Ile546fs (NM_001407648.1, NM_001407664.1, NM_001407665.1 and 19 more transcripts); c.1634del, p.Ile545fs (NM_001407649.1, NM_001407670.1, NM_001407671.1 and 11 more transcripts); c.1682del, p.Ile561fs (NM_001407653.1, NM_001407654.1, NM_001407655.1 and 4 more transcripts); c.1679del, p.Ile560fs (NM_001407659.1, NM_001407660.1, NM_001407661.1 and 1 more transcripts); and 40 more; short protein forms I587fs, I540fs, I291fs, I419fs, I476fs, I519fs, I539fs, I561fs.
Identifiers: ClinVar variation 1448864 (VCV001448864.7), dbSNP rs2154425630, ClinGen allele CA2573154075.